The following is an entry in ClinVar:

ClinVar aggregate classification (germline): Conflicting classifications of pathogenicity. Review status: criteria provided, conflicting classifications (1 of 4 stars). 5 submissions from 5 submitters: Uncertain significance (1); Benign (1); Likely benign (3). Last evaluated 2025-09-07.

Conditions:
Dilated cardiomyopathy 1D. Identifiers: Orphanet 154, Orphanet 54260, MedGen C1832243, MONDO:0011095, OMIM 601494.
Hypertrophic cardiomyopathy 2. Also called: TNNT2-Related Familial Hypertrophic Cardiomyopathy. Identifiers: MedGen C1861864, MONDO:0007266, OMIM 115195.
Cardiomyopathy, familial restrictive, 3. Identifiers: Orphanet 75249, MedGen C2676271, MONDO:0012900, OMIM 612422.
Cardiomyopathy (CMYO). Also called: Cardiomyopathies. Identifiers: Orphanet 167848, MedGen C0878544, MONDO:0004994, HP:0001638. Inheritance: Various modes of inheritance.
Cardiovascular phenotype. Identifiers: MedGen CN230736.

Allele frequency attached by ClinVar (database versions not stated): gnomAD 0.00002 and 0.00003; TOPMed 0.00003; 1000 Genomes Project 30x 0.00016; ExAC 0.00017; 1000 Genomes Project 0.00020.
gnomAD v4.1: 82 of 1,614,058 alleles (0.0051%); highest among the groups gnomAD compares: Non-Finnish European, 0.0056%; no homozygotes.

Submissions (5):

Labcorp Genetics (formerly Invitae), Labcorp
Classification: Likely benign for Cardiomyopathy, familial restrictive, 3; Hypertrophic cardiomyopathy 2; Dilated cardiomyopathy 1D. Last evaluated: 2025-09-07. Review status: criteria provided, single submitter. Criteria: Invitae Variant Classification Sherloc (09022015). Collection method: clinical testing. Allele origin: germline.

Color Diagnostics, LLC DBA Color Health
Classification: Benign for Cardiomyopathy. Last evaluated: 2024-09-12. Review status: criteria provided, single submitter. Criteria: ACMG Guidelines, 2015. Collection method: clinical testing. Allele origin: germline.

GeneDx
Classification: Uncertain significance. Last evaluated: 2023-11-01. Review status: criteria provided, single submitter. Criteria: GeneDx Variant Classification Process June 2021. Collection method: clinical testing. Allele origin: germline. Affected: yes.
Comment: Reported in 1/427 control alleles (PMID: 24510615); In silico analysis supports that this missense variant does not alter protein structure/function; This variant is associated with the following publications: (PMID: 24510615)

Ambry Genetics
Classification: Likely benign for Cardiovascular phenotype. Last evaluated: 2019-04-02. Review status: criteria provided, single submitter. Criteria: Ambry Variant Classification Scheme 2023. Collection method: clinical testing. Allele origin: germline.

Breakthrough Genomics
Classification: Likely benign. Review status: criteria provided, single submitter. Criteria: ACMG Guidelines, 2015. Collection method: not provided. Allele origin: germline. Inheritance: Autosomal dominant inheritance. Affected: yes.

NM_001276345.2(TNNT2):c.391G>A (p.Val131Ile)

Gene: TNNT2 (troponin T2, cardiac type; minus strand). Cytogenetic location: 1q32.1.
Variant type: single nucleotide variant.
Coding change: c.391G>A on transcript NM_001276345.2 (MANE Select); coding-DNA position 391, G replaced by A.
Protein change: p.Val131Ile; replaces valine 131 with isoleucine.
Molecular consequence: missense variant. On other transcripts: intron variant (1).
Genome position (GRCh38, 1-based): chr1:201,365,211, C>T on the plus strand (G>A on the coding strand, the complement: TNNT2 is on the minus strand). VCF-style: chr1-201365211-C-T. GRCh37 (hg19) VCF-style: chr1-201334339-C-T.
Other names: c.391G>A, p.Val131Ile (NM_000364.4); c.361G>A, p.Val121Ile (NM_001001430.3, NM_001001431.3, NM_001276347.2); c.346G>A, p.Val116Ile (NM_001001432.3); c.291+399G>A (NM_001276346.2); short protein forms V131I, V121I, V116I.
Identifiers: ClinVar variation 571790 (VCV000571790.17), dbSNP rs537067344, ClinGen allele CA088985.